The following is an entry in ClinVar:

NM_194293.4(XIRP1):c.1996G>A (p.Glu666Lys)

Gene: XIRP1 (xin actin binding repeat containing 1; minus strand). Cytogenetic location: 3p22.2.
Variant type: single nucleotide variant.
Coding change: c.1996G>A on transcript NM_194293.4 (MANE Select); coding-DNA position 1996, G replaced by A.
Protein change: p.Glu666Lys; replaces glutamic acid 666 with lysine.
Molecular consequence: missense variant. On other transcripts: intron variant (1).
Genome position (GRCh38, 1-based): chr3:39,187,450, C>T on the plus strand (G>A on the coding strand, the complement: XIRP1 is on the minus strand). VCF-style: chr3-39187450-C-T. GRCh37 (hg19) VCF-style: chr3-39228941-C-T.
Other names: c.1996G>A, p.Glu666Lys (NM_001198621.4); c.-167-1789G>A (NM_001351377.2); short protein forms E666K.
Identifiers: ClinVar variation 2501740 (VCV002501740.1), dbSNP rs144350990, ClinGen allele CA2326379.

ClinVar aggregate classification (germline): Uncertain significance (1 of 4 stars; one submission).

Allele frequency attached by ClinVar (database versions not stated): 1000 Genomes Project 0.00040; ESP Exome Variant Server 0.00046; 1000 Genomes Project 30x 0.00047; TOPMed 0.00058; gnomAD 0.00064.
gnomAD v4.1: 1,479 of 1,614,126 alleles (0.092%); highest among the groups gnomAD compares: Non-Finnish European, 0.11%; 1 homozygote.

Submission:

Center for Genomics, Ann and Robert H. Lurie Children's Hospital of Chicago
Classification: Uncertain significance. Last evaluated: 2021-03-30. Review status: criteria provided, single submitter. Criteria: ACMG Guidelines, 2015. Collection method: clinical testing. Allele origin: germline.
Comment: XIRP1 NM_194293.3 exon 2 p.Glu666Lys (c.1996G>A): This variant has not been reported in the literature but is present in 0.1% (156/126616) of European alleles in the Genome Aggregation Database. Evolutionary conservation and computational predictive tools suggest that this variant may impact the protein. In summary, data on this variant is insufficient for disease classification. Therefore, the clinical significance of this variant is uncertain.